The following is an entry in ClinVar:

NM_001166108.2(PALLD):c.2066G>A (p.Arg689His)

Gene: PALLD (palladin, cytoskeletal associated protein; plus strand). Cytogenetic location: 4q32.3.
Variant type: single nucleotide variant.
Coding change: c.2066G>A on transcript NM_001166108.2 (MANE Select); coding-DNA position 2066, G replaced by A.
Protein change: p.Arg689His; replaces arginine 689 with histidine.
Molecular consequence: missense variant. On other transcripts: 5 prime UTR variant (4).
Genome position (GRCh38, 1-based): chr4:168,891,023, G>A. VCF-style: chr4-168891023-G-A. GRCh37 (hg19) VCF-style: chr4-169812174-G-A.
Other names: c.920G>A, p.Arg307His (NM_001166109.2); c.605G>A, p.Arg202His (NM_001166110.2); c.-56G>A (NM_001367567.1, NM_001367568.1, NM_001367569.1 and 1 more transcripts); c.2066G>A, p.Arg689His (NM_016081.4); short protein forms R202H, R689H, R307H.
Identifiers: ClinVar variation 942652 (VCV000942652.12), dbSNP rs758090588, ClinGen allele CA3135809.

ClinVar aggregate classification (germline): Uncertain significance. Review status: criteria provided, multiple submitters, no conflicts (2 of 4 stars). 2 submissions from 2 submitters: Uncertain significance (2). Last evaluated 2025-03-04.

Conditions:
Pancreatic adenocarcinoma. Identifiers: MedGen C0281361, MONDO:0006047, HP:0006725.

Allele frequency attached by ClinVar (database versions not stated): ExAC 0.00002; gnomAD exomes 0.00002.
gnomAD v4.1: 28 of 1,614,120 alleles (0.0017%); highest among the groups gnomAD compares: South Asian, 0.0044%; no homozygotes.

Submissions (2):

Labcorp Genetics (formerly Invitae), Labcorp
Classification: Uncertain significance for Pancreatic adenocarcinoma. Last evaluated: 2025-03-04. Review status: criteria provided, single submitter. Criteria: Invitae Variant Classification Sherloc (09022015). Collection method: clinical testing. Allele origin: germline.
Comment: This sequence change replaces arginine, which is basic and polar, with histidine, which is basic and polar, at codon 202 of the PALLD protein (p.Arg202His). This variant is present in population databases (rs758090588, gnomAD 0.004%). This variant has not been reported in the literature in individuals affected with PALLD-related conditions. ClinVar contains an entry for this variant (Variation ID: 942652). An algorithm developed to predict the effect of missense changes on protein structure and function (PolyPhen-2) suggests that this variant is likely to be tolerated. In summary, the available evidence is currently insufficient to determine the role of this variant in disease. Therefore, it has been classified as a Variant of Uncertain Significance.

Ambry Genetics
Classification: Uncertain significance. Last evaluated: 2024-02-22. Review status: criteria provided, single submitter. Criteria: Ambry Variant Classification Scheme 2023. Collection method: clinical testing. Allele origin: germline.
Comment: The p.R689H variant (also known as c.2066G>A), located in coding exon 10 of the PALLD gene, results from a G to A substitution at nucleotide position 2066. The arginine at codon 689 is replaced by histidine, an amino acid with highly similar properties. This amino acid position is conserved. In addition, the in silico prediction for this alteration is inconclusive. Since supporting evidence is limited at this time, the clinical significance of this alteration remains unclear.